The following is an entry in ClinVar:

ClinVar aggregate classification (germline): Uncertain significance (1 of 4 stars; one submission).

Allele frequency attached by ClinVar (database versions not stated): gnomAD exomes below 0.00001.
gnomAD v4.1: 1 of 1,613,660 alleles (0.000062%); highest among the groups gnomAD compares: Non-Finnish European, 0.000085%; no homozygotes.

Submission:

Labcorp Genetics (formerly Invitae), Labcorp
Classification: Uncertain significance. Last evaluated: 2022-09-16. Review status: criteria provided, single submitter. Criteria: Invitae Variant Classification Sherloc (09022015). Collection method: clinical testing. Allele origin: germline.
Comment: In summary, the available evidence is currently insufficient to determine the role of this variant in disease. Therefore, it has been classified as a Variant of Uncertain Significance. Algorithms developed to predict the effect of missense changes on protein structure and function (SIFT, PolyPhen-2, Align-GVGD) all suggest that this variant is likely to be disruptive. This variant has not been reported in the literature in individuals affected with COQ8A-related conditions. This variant is not present in population databases (gnomAD no frequency). This sequence change replaces glycine, which is neutral and non-polar, with arginine, which is basic and polar, at codon 218 of the COQ8A protein (p.Gly218Arg).

NM_020247.5(COQ8A):c.652G>A (p.Gly218Arg)

Gene: COQ8A (coenzyme Q8A; plus strand). Cytogenetic location: 1q42.13.
Variant type: single nucleotide variant.
Coding change: c.652G>A on transcript NM_020247.5 (MANE Select); coding-DNA position 652, G replaced by A.
Protein change: p.Gly218Arg; replaces glycine 218 with arginine.
Molecular consequence: missense variant.
Genome position (GRCh38, 1-based): chr1:226,965,734, G>A. VCF-style: chr1-226965734-G-A. GRCh37 (hg19) VCF-style: chr1-227153435-G-A.
Other names: short protein forms G218R.
Identifiers: ClinVar variation 1907501 (VCV001907501.3), dbSNP rs2528255311, ClinGen allele CA345050806.
Genomic context (GRCh38, chr1:226,965,734, plus strand): 5'-AGCGAGCATGCCCGGGAGCGGAAGGTGCCTGTGACGAGGATTGGCCGGCTGGCCAACTTC[G>A]GAGGTAAGGTGGCTGTGTGCCCCTGGACTGCCTCACCTGCCCTGCCTGGGCACCACGCTG-3'
Protein context (NP_064632.2, residues 208-228): VTRIGRLANF[Gly218Arg]GLAVGLGFGA